The following is an entry in ClinVar:

NM_001005361.3(DNM2):c.1147G>T (p.Asp383Tyr)

Gene: DNM2 (dynamin 2; plus strand). Cytogenetic location: 19p13.2.
Variant type: single nucleotide variant.
Coding change: c.1147G>T on transcript NM_001005361.3 (MANE Select); coding-DNA position 1147, G replaced by T.
Protein change: p.Asp383Tyr; replaces aspartic acid 383 with tyrosine.
Molecular consequence: missense variant.
Genome position (GRCh38, 1-based): chr19:10,795,390, G>T. VCF-style: chr19-10795390-G-T. GRCh37 (hg19) VCF-style: chr19-10906066-G-T.
Other names: c.1147G>T, p.Asp383Tyr (NM_001005360.3, NM_001005362.3, NM_001190716.2 and 1 more transcripts); short protein forms D383Y.
Identifiers: ClinVar variation 585790 (VCV000585790.6), dbSNP rs1568305190, ClinGen allele CA404048342.
Genomic context (GRCh38, chr19:10,795,390, plus strand): 5'-CCCGGGTGCCTCCATGCATGTGCTTGGTTTGTCTCTTCTCAGATGGAGTTTGACGAGAAG[G>T]ACTTACGACGGGAGATCAGCTATGCCATTAAGAACATCCATGGAGTCAGGCAAGTTCCAC-3'
Protein context (NP_001005361.1, residues 373-393): ELVKMEFDEK[Asp383Tyr]LRREISYAIK

ClinVar aggregate classification (germline): Uncertain significance. Review status: criteria provided, multiple submitters, no conflicts (2 of 4 stars). 2 submissions from 2 submitters: Uncertain significance (2). Last evaluated 2021-12-11.

Conditions:
Charcot-Marie-Tooth disease dominant intermediate B (CMTDIB). Also called: CHARCOT-MARIE-TOOTH NEUROPATHY, DOMINANT INTERMEDIATE B; Charcot-Marie-Tooth disease dominant intermediate 1; CMT DI1; Charcot-Marie-Tooth disease dominant intermediate I. Identifiers: Orphanet 100044, Orphanet 228179, MedGen C1847902, MONDO:0011674, OMIM 606482.

Submissions (2):

Labcorp Genetics (formerly Invitae), Labcorp
Classification: Uncertain significance for Charcot-Marie-Tooth disease dominant intermediate B. Last evaluated: 2021-12-11. Review status: criteria provided, single submitter. Criteria: Invitae Variant Classification Sherloc (09022015). Collection method: clinical testing. Allele origin: germline.
Comment: This variant has not been reported in the literature in individuals affected with DNM2-related conditions. ClinVar contains an entry for this variant (Variation ID: 585790). Algorithms developed to predict the effect of missense changes on protein structure and function are either unavailable or do not agree on the potential impact of this missense change (SIFT: "Deleterious"; PolyPhen-2: "Probably Damaging"; Align-GVGD: "Class C0"). Algorithms developed to predict the effect of sequence changes on RNA splicing suggest that this variant may create or strengthen a splice site. In summary, the available evidence is currently insufficient to determine the role of this variant in disease. Therefore, it has been classified as a Variant of Uncertain Significance. This sequence change replaces aspartic acid, which is acidic and polar, with tyrosine, which is neutral and polar, at codon 383 of the DNM2 protein (p.Asp383Tyr). This variant is not present in population databases (gnomAD no frequency).

Athena Diagnostics
Classification: Uncertain significance. Last evaluated: 2018-06-08. Review status: criteria provided, single submitter. Criteria: Athena Diagnostics Criteria. Collection method: clinical testing. Allele origin: germline.